The following is an entry in ClinVar:

NM_022114.4(PRDM16):c.146G>A (p.Gly49Glu)

Gene: PRDM16 (PR/SET domain 16; plus strand). Cytogenetic location: 1p36.32.
Variant type: single nucleotide variant.
Coding change: c.146G>A on transcript NM_022114.4 (MANE Select); coding-DNA position 146, G replaced by A.
Protein change: p.Gly49Glu; replaces glycine 49 with glutamic acid.
Molecular consequence: missense variant.
Genome position (GRCh38, 1-based): chr1:3,186,233, G>A. VCF-style: chr1-3186233-G-A. GRCh37 (hg19) VCF-style: chr1-3102797-G-A.
Other names: c.146G>A, p.Gly49Glu (NM_199454.3); short protein forms G49E.
Identifiers: ClinVar variation 423614 (VCV000423614.6), dbSNP rs754043874, ClinGen allele CA543715.
Genomic context (GRCh38, chr1:3,186,233, plus strand): 5'-TGGCCAGCCACAGCGCGGAGGACGAGGCCGAGGACAGTGCCATGTCGCCCATCCCCGTGG[G>A]GCCACCGTCCCCCTTCCCCACCAGCGAGGACTTCACCCCCAAGGAGGGCTCGCCGTACGA-3'
Protein context (NP_071397.3, residues 39-59): EDSAMSPIPV[Gly49Glu]PPSPFPTSED

ClinVar aggregate classification (germline): Uncertain significance. Review status: criteria provided, multiple submitters, no conflicts (2 of 4 stars). 2 submissions from 2 submitters: Uncertain significance (2). Last evaluated 2026-01-02.

Conditions:
Left ventricular noncompaction 8 (LVNC8). Identifiers: Orphanet 154, Orphanet 54260, MedGen C3809288, MONDO:0014152, OMIM 615373.

Allele frequency attached by ClinVar (database versions not stated): gnomAD 0.00001.
gnomAD v4.1: 14 of 1,612,500 alleles (0.00087%); highest among the groups gnomAD compares: Non-Finnish European, 0.00093%; no homozygotes.

Submissions (2):

GeneDx
Classification: Uncertain significance. Last evaluated: 2026-01-02. Review status: criteria provided, single submitter. Criteria: GeneDx Variant Classification Process June 2021. Collection method: clinical testing. Allele origin: germline. Affected: yes.
Comment: In silico analysis suggests that this missense variant does not alter protein structure/function; Has not been previously published as pathogenic or benign to our knowledge

Labcorp Genetics (formerly Invitae), Labcorp
Classification: Uncertain significance for Left ventricular noncompaction 8. Last evaluated: 2024-07-30. Review status: criteria provided, single submitter. Criteria: Invitae Variant Classification Sherloc (09022015). Collection method: clinical testing. Allele origin: germline.
Comment: This sequence change replaces glycine, which is neutral and non-polar, with glutamic acid, which is acidic and polar, at codon 49 of the PRDM16 protein (p.Gly49Glu). This variant is present in population databases (rs754043874, gnomAD 0.007%). This variant has not been reported in the literature in individuals affected with PRDM16-related conditions. ClinVar contains an entry for this variant (Variation ID: 423614). An algorithm developed to predict the effect of missense changes on protein structure and function (PolyPhen-2) suggests that this variant is likely to be tolerated. In summary, the available evidence is currently insufficient to determine the role of this variant in disease. Therefore, it has been classified as a Variant of Uncertain Significance.